The following is an entry in ClinVar:

ClinVar aggregate classification (germline): Pathogenic. Review status: criteria provided, single submitter (1 of 4 stars). 2 submissions from 2 submitters: Pathogenic (1). 1 of the submissions does not count toward it. Last evaluated 2024-11-18.

Conditions:
ABCB4-related disorder. Also called: ABCB4-related disorders; ABCB4-related condition.
Progressive familial intrahepatic cholestasis type 3. Also called: MDR3 DEFICIENCY; Low Gamma-GT Familial Intrahepatic Cholestasis. Identifiers: Orphanet 79305, MedGen C1865643, MONDO:0011214, OMIM 602347.

gnomAD v4.1: 4 of 1,606,538 alleles (0.00025%); highest among the groups gnomAD compares: Non-Finnish European, 0.00034%; no homozygotes.

Submissions (2):

3billion
Classification: Pathogenic for Progressive familial intrahepatic cholestasis type 3. Last evaluated: 2024-11-18. Review status: criteria provided, single submitter. Criteria: ACMG Guidelines, 2015. Collection method: clinical testing. Allele origin: germline. Affected: yes.
Comment: The variant is observed at an extremely low frequency in the gnomAD v4.1.0 dataset (total allele frequency: <0.001%). Predicted Consequence/Location: Canonical splice site: predicted to alter splicing and result in a loss or disruption of normal protein function. Multiple pathogenic loss-of-function variants are reported downstream of the variant. In silico tools predict the variant to alter splicing and produce an abnormal transcript [SpliceAI: 0.99 (spliceogenicity >=0.2, non-spliceogenicity <0.1)]. The variant has been reported to be associated with ABCB4 related disorder (ClinVar ID: VCV003344889). Therefore, this variant is classified as Pathogenic according to the recommendation of ACMG/AMP guideline.

PreventionGenetics, part of Exact Sciences
Classification: Likely pathogenic for ABCB4-related condition. Last evaluated: 2024-05-02. Review status: no assertion criteria provided. Collection method: clinical testing. Allele origin: germline. Not counted in ClinVar's aggregate classification.
Comment: The ABCB4 c.287-1G>A variant is predicted to disrupt the AG splice acceptor site and interfere with normal splicing. To our knowledge, this variant has not been reported in the literature. This variant is reported in 0.00090% of alleles in individuals of European (Non-Finnish) descent in gnomAD. Variants that disrupt the consensus splice acceptor site in ABCB4 are expected to be pathogenic. This variant is interpreted as likely pathogenic.

NM_000443.4(ABCB4):c.287-1G>A

Gene: ABCB4 (ATP binding cassette subfamily B member 4; minus strand). Cytogenetic location: 7q21.12.
Variant type: single nucleotide variant.
Coding change: c.287-1G>A on transcript NM_000443.4 (MANE Select); the canonical splice acceptor site of the intron before coding-DNA position 287, G replaced by A.
Molecular consequence: splice acceptor variant.
Genome position (GRCh38, 1-based): chr7:87,454,593, C>T on the plus strand (G>A on the coding strand, the complement: ABCB4 is on the minus strand). VCF-style: chr7-87454593-C-T. GRCh37 (hg19) VCF-style: chr7-87083909-C-T.
Other names: c.287-1G>A (NM_018850.3, NM_018849.3).
Identifiers: ClinVar variation 3344889 (VCV003344889.2).